The following is an entry in ClinVar:

NM_001605.3(AARS1):c.1033T>A (p.Phe345Ile)

Gene: AARS1 (alanyl-tRNA synthetase 1; minus strand). Cytogenetic location: 16q22.1.
Variant type: single nucleotide variant.
Coding change: c.1033T>A on transcript NM_001605.3 (MANE Select); coding-DNA position 1033, T replaced by A.
Protein change: p.Phe345Ile; replaces phenylalanine 345 with isoleucine.
Molecular consequence: missense variant.
Genome position (GRCh38, 1-based): chr16:70,268,309, A>T on the plus strand (T>A on the coding strand, the complement: AARS1 is on the minus strand). VCF-style: chr16-70268309-A-T. GRCh37 (hg19) VCF-style: chr16-70302212-A-T.
Other names: short protein forms F345I.
Identifiers: ClinVar variation 2731631 (VCV002731631.3), dbSNP rs1158266580, ClinGen allele CA396564159.

ClinVar aggregate classification (germline): Uncertain significance (1 of 4 stars; one submission).

Conditions:
Charcot-Marie-Tooth disease type 2. Also called: Charcot-Marie-Tooth type 2. Identifiers: Orphanet 64746, MedGen C0270914, MONDO:0018993.

Allele frequency attached by ClinVar (database versions not stated): gnomAD exomes 0.00001.
gnomAD v4.1: 16 of 1,614,194 alleles (0.00099%); highest among the groups gnomAD compares: Non-Finnish European, 0.0014%; no homozygotes.

Submission:

Labcorp Genetics (formerly Invitae), Labcorp
Classification: Uncertain significance for Charcot-Marie-Tooth disease type 2. Last evaluated: 2023-05-22. Review status: criteria provided, single submitter. Criteria: Invitae Variant Classification Sherloc (09022015). Collection method: clinical testing. Allele origin: germline.
Comment: In summary, the available evidence is currently insufficient to determine the role of this variant in disease. Therefore, it has been classified as a Variant of Uncertain Significance. Advanced modeling of protein sequence and biophysical properties (such as structural, functional, and spatial information, amino acid conservation, physicochemical variation, residue mobility, and thermodynamic stability) performed at Invitae indicates that this missense variant is not expected to disrupt AARS protein function. This variant has not been reported in the literature in individuals affected with AARS-related conditions. This variant is present in population databases (no rsID available, gnomAD 0.0009%). This sequence change replaces phenylalanine, which is neutral and non-polar, with isoleucine, which is neutral and non-polar, at codon 345 of the AARS protein (p.Phe345Ile).